The following is an entry in ClinVar:

NM_001010892.3(RSPH4A):c.1704AGA[2] (p.Glu573del)

Gene: RSPH4A (radial spoke head component 4A; plus strand). Cytogenetic location: 6q22.1.
Variant type: Microsatellite.
Coding change: c.1704AGA[2] on transcript NM_001010892.3 (MANE Select); two copies in a row of the 3-base unit AGA starting at c.1704; the reference has three copies in a row; one copy, 3 bases deleted.
Protein change: p.Glu573del; deletes glutamic acid 573.
Molecular consequence: inframe deletion. On other transcripts: intron variant (1).
Genome position (GRCh38, 1-based): chr6:116,629,614-116,629,616, AGA deleted; deleting any 3 consecutive bases within chr6:116,629,606-116,629,616 gives the same sequence; the position shown is the placement nearest the transcript's 3' end. VCF-style (leftmost placement, unchanged base first): chr6-116629605-GGAA-G. GRCh37 (hg19) VCF-style: chr6-116950768-GGAA-G.
Other names: c.1663-829GAA[2] (NM_001161664.2); short protein forms E573del.
Identifiers: ClinVar variation 840982 (VCV000840982.8), dbSNP rs757198203, ClinGen allele CA3971013.
Genomic context (GRCh38, chr6:116,629,605, plus strand): 5'-ATCTTGCAACATTCATTCCCAGGGTCGCTGTAATTGGTTCAACTCCATACAAAAAAATGA[GGAA>G]GAAGAAGAGGAAGAAGATGAAGAAAAAGACGATTCTGACTACATAGAACAGGAAGTGGGG-3'

ClinVar aggregate classification (germline): Uncertain significance (1 of 4 stars; one submission).

Conditions:
Primary ciliary dyskinesia. Also called: Ciliary dyskinesia. Identifiers: Orphanet 244, MedGen C0008780, MONDO:0016575, HP:0012265.

Submission:

Labcorp Genetics (formerly Invitae), Labcorp
Classification: Uncertain significance for Primary ciliary dyskinesia. Last evaluated: 2025-04-08. Review status: criteria provided, single submitter. Criteria: Invitae Variant Classification Sherloc (09022015). Collection method: clinical testing. Allele origin: germline.
Comment: This variant, c.1710_1712del, results in the deletion of 1 amino acid(s) of the RSPH4A protein (p.Glu573del), but otherwise preserves the integrity of the reading frame. This variant is present in population databases (rs757198203, gnomAD 0.01%). This variant has not been reported in the literature in individuals affected with RSPH4A-related conditions. ClinVar contains an entry for this variant (Variation ID: 840982). Experimental studies and prediction algorithms are not available or were not evaluated, and the functional significance of this variant is currently unknown. In summary, the available evidence is currently insufficient to determine the role of this variant in disease. Therefore, it has been classified as a Variant of Uncertain Significance.